The following is an entry in ClinVar:

ClinVar aggregate classification (germline): Conflicting classifications of pathogenicity. Review status: criteria provided, conflicting classifications (1 of 4 stars). 3 submissions from 3 submitters: Uncertain significance (1); Likely benign (2). Last evaluated 2025-09-22.

Conditions:
Inborn genetic diseases. Identifiers: MedGen C0950123, MeSH D030342.

Allele frequency attached by ClinVar (database versions not stated): TOPMed 0.00012; gnomAD exomes 0.00013; 1000 Genomes Project 30x 0.00016; ExAC 0.00016; gnomAD 0.00016; 1000 Genomes Project 0.00020; ESP Exome Variant Server 0.00038.
gnomAD v4.1: 204 of 1,614,124 alleles (0.013%); highest among the groups gnomAD compares: East Asian, 0.027%; no homozygotes.

Submissions (3):

Ambry Genetics
Classification: Uncertain significance for Inborn genetic diseases. Last evaluated: 2025-09-22. Review status: criteria provided, single submitter. Criteria: Ambry Variant Classification Scheme 2023. Collection method: clinical testing. Allele origin: germline.

Laboratory of Genetics, Children's Clinical University Hospital Latvia
Classification: Likely benign. Last evaluated: 2025-02-16. Review status: criteria provided, single submitter. Criteria: ACMG Guidelines, 2015. Collection method: clinical testing. Allele origin: germline. Affected: yes.

CeGaT Center for Human Genetics Tuebingen
Classification: Likely benign. Last evaluated: 2024-11-01. Review status: criteria provided, single submitter. Criteria: CeGaT Center For Human Genetics Tuebingen Variant Classification Criteria Version 2. Collection method: clinical testing. Allele origin: germline. Affected: yes. Observed: 1 variant allele.
Comment: TRPM3: BS2

NM_001366145.2(TRPM3):c.499C>T (p.Leu167Phe)

Gene: TRPM3 (transient receptor potential cation channel subfamily M member 3; minus strand). Cytogenetic location: 9q21.12.
Variant type: single nucleotide variant.
Coding change: c.499C>T on transcript NM_001366145.2 (MANE Select); coding-DNA position 499, C replaced by T.
Protein change: p.Leu167Phe; replaces leucine 167 with phenylalanine.
Molecular consequence: missense variant.
Genome position (GRCh38, 1-based): chr9:70,846,555, G>A on the plus strand (C>T on the coding strand, the complement: TRPM3 is on the minus strand). VCF-style: chr9-70846555-G-A. GRCh37 (hg19) VCF-style: chr9-73461471-G-A.
Other names: c.40C>T, p.Leu14Phe (NM_001007470.3, NM_001366154.2, NM_020952.6 and 6 more transcripts); c.499C>T, p.Leu167Phe (NM_001007471.4, NM_001366146.2, NM_001366147.2 and 6 more transcripts); c.505C>T, p.Leu169Phe (NM_001366141.2, NM_001366142.2, NM_001366143.2 and 1 more transcripts); short protein forms L167F, L14F, L169F.
Identifiers: ClinVar variation 2508096 (VCV002508096.17), dbSNP rs146800889, ClinGen allele CA5078947.